The following is an entry in ClinVar:

NM_000093.5(COL5A1):c.1163A>G (p.Asn388Ser)

Gene: COL5A1 (collagen type V alpha 1 chain; plus strand). Cytogenetic location: 9q34.3.
Variant type: single nucleotide variant.
Coding change: c.1163A>G on transcript NM_000093.5 (MANE Select); coding-DNA position 1163, A replaced by G.
Protein change: p.Asn388Ser; replaces asparagine 388 with serine.
Molecular consequence: missense variant.
Genome position (GRCh38, 1-based): chr9:134,730,474, A>G. VCF-style: chr9-134730474-A-G. GRCh37 (hg19) VCF-style: chr9-137622320-A-G.
Other names: p.N388S:AAT>AGT; c.1163A>G, p.Asn388Ser (NM_001278074.1); short protein forms N388S.
Identifiers: ClinVar variation 219284 (VCV000219284.22), dbSNP rs150837465, ClinGen allele CA339725.

ClinVar aggregate classification (germline): Conflicting classifications of pathogenicity. Review status: criteria provided, conflicting classifications (1 of 4 stars). 4 submissions from 4 submitters: Uncertain significance (2); Likely benign (2). Last evaluated 2025-11-08.

Conditions:
Ehlers-Danlos syndrome, classic type, 1 (EDSCL1). Also called: Ehlers-Danlos Syndrome, Classic Type, COL5A1-Related; EHLERS-DANLOS SYNDROME, GRAVIS TYPE; EHLERS-DANLOS SYNDROME, SEVERE CLASSIC TYPE; Ehlers-Danlos syndrome, type 1; EDS I. Identifiers: MedGen C0268335, MONDO:0019567, OMIM 130000.
Ehlers-Danlos syndrome, classic type (cEDS). Identifiers: Orphanet 287, MedGen C4225429, MONDO:0007522.
Familial thoracic aortic aneurysm and aortic dissection (TAAD). Also called: Thoracic aortic aneurysms and dissections. Identifiers: Orphanet 91387, MedGen C4707243, MONDO:0019625.

Allele frequency attached by ClinVar (database versions not stated): TOPMed 0.00007; 1000 Genomes Project 0.00020; gnomAD 0.00004 and 0.00005; gnomAD exomes 0.00006; 1000 Genomes Project 30x 0.00016; ESP Exome Variant Server 0.00008; ExAC 0.00007.
gnomAD v4.1: 79 of 1,613,842 alleles (0.0049%); highest among the groups gnomAD compares: East Asian, 0.0089%; no homozygotes.

Submissions (4):

Labcorp Genetics (formerly Invitae), Labcorp
Classification: Uncertain significance for Ehlers-Danlos syndrome, classic type, 1. Last evaluated: 2025-11-08. Review status: criteria provided, single submitter. Criteria: Invitae Variant Classification Sherloc (09022015). Collection method: clinical testing. Allele origin: germline.
Comment: This sequence change replaces asparagine, which is neutral and polar, with serine, which is neutral and polar, at codon 388 of the COL5A1 protein (p.Asn388Ser). This variant is present in population databases (rs150837465, gnomAD 0.03%). This variant has not been reported in the literature in individuals affected with COL5A1-related conditions. ClinVar contains an entry for this variant (Variation ID: 219284). An algorithm developed to predict the effect of missense changes on protein structure and function outputs the following: PolyPhen-2: "Benign". The serine amino acid residue is found in multiple mammalian species, which suggests that this missense change does not adversely affect protein function. Algorithms developed to predict the effect of sequence changes on RNA splicing suggest that this variant may disrupt the consensus splice site. In summary, the available evidence is currently insufficient to determine the role of this variant in disease. Therefore, it has been classified as a Variant of Uncertain Significance.

Ambry Genetics
Classification: Likely benign for Familial thoracic aortic aneurysm and aortic dissection. Last evaluated: 2025-09-17. Review status: criteria provided, single submitter. Criteria: Ambry Variant Classification Scheme 2023. Collection method: clinical testing. Allele origin: germline.

GeneDx
Classification: Uncertain significance. Last evaluated: 2025-09-11. Review status: criteria provided, single submitter. Criteria: GeneDx Variant Classification Process June 2021. Collection method: clinical testing. Allele origin: germline. Affected: yes.
Comment: In silico analysis suggests that this missense variant does not alter protein structure/function; Not located in the triple helical region, where the majority of pathogenic missense variants occur (PMID: 22696272; HGMD); Has not been previously published as pathogenic or benign to our knowledge; This variant is associated with the following publications: (PMID: 22696272)

Illumina Laboratory Services, Illumina
Classification: Likely benign for Ehlers-Danlos syndrome, classic type, 1. Last evaluated: 2018-01-13. Review status: criteria provided, single submitter. Criteria: ICSL Variant Classification Criteria 13 December 2019. Collection method: clinical testing. Allele origin: germline.
Comment: This variant was observed in the ICSL laboratory as part of a predisposition screen in an ostensibly healthy population. It had not been previously curated by ICSL or reported in the Human Gene Mutation Database (HGMD: prior to June 1st, 2018), and was therefore a candidate for classification through an automated scoring system. Utilizing variant allele frequency, disease prevalence and penetrance estimates, and inheritance mode, an automated score was calculated to assess if this variant is too frequent to cause the disease. Based on the score and internal cut-off values, a variant classified as likely benign is not then subjected to further curation. The score for this variant resulted in a classification of likely benign for this disease.